The following is an entry in ClinVar:

ClinVar aggregate classification (germline): Uncertain significance (1 of 4 stars; one submission).

Conditions:
Hereditary cancer-predisposing syndrome. Also called: Neoplastic Syndromes, Hereditary; Tumor predisposition; Hereditary Cancer Syndrome; Hereditary neoplastic syndrome. Identifiers: Orphanet 140162, MedGen C0027672, MeSH D009386, MONDO:0015356.

Submission:

Ambry Genetics
Classification: Uncertain significance for Hereditary cancer-predisposing syndrome. Last evaluated: 2025-11-17. Review status: criteria provided, single submitter. Criteria: Ambry Variant Classification Scheme 2023. Collection method: clinical testing. Allele origin: germline.
Comment: The p.K980I variant (also known as c.2939A>T), located in coding exon 15 of the APC gene, results from an A to T substitution at nucleotide position 2939. The lysine at codon 980 is replaced by isoleucine, an amino acid with dissimilar properties. This amino acid position is conserved. In addition, in silico predictors for this gene do not accurately predict pathogenicity. Based on the available evidence, the clinical significance of this variant remains unclear.

NM_000038.6(APC):c.2939A>T (p.Lys980Ile)

Gene: APC (APC regulator of Wnt signaling pathway; plus strand). Cytogenetic location: 5q22.2.
Variant type: single nucleotide variant.
Coding change: c.2939A>T on transcript NM_000038.6 (MANE Select); coding-DNA position 2939, A replaced by T.
Protein change: p.Lys980Ile; replaces lysine 980 with isoleucine.
Molecular consequence: missense variant. On other transcripts: non-coding transcript variant (2).
Genome position (GRCh38, 1-based): chr5:112,838,533, A>T. VCF-style: chr5-112838533-A-T. GRCh37 (hg19) VCF-style: chr5-112174230-A-T.
Other names: c.2939A>T, p.Lys980Ile (NM_001127510.3, NM_001354895.2, NM_001407450.1); c.2885A>T, p.Lys962Ile (NM_001127511.3); c.2993A>T, p.Lys998Ile (NM_001354896.2, NM_001407447.1, NM_001407448.1 and 1 more transcripts); c.2969A>T, p.Lys990Ile (NM_001354897.2); c.2864A>T, p.Lys955Ile (NM_001354898.2); c.2855A>T, p.Lys952Ile (NM_001354899.2); c.2816A>T, p.Lys939Ile (NM_001354900.2); c.2762A>T, p.Lys921Ile (NM_001354901.2, NM_001407453.1); and 11 more; short protein forms K854I, K879I, K889I, K897I, K939I, K697I, K952I, K1008I.
Identifiers: ClinVar variation 4590967 (VCV004590967.1).